The following is an entry in ClinVar:

ClinVar aggregate classification (germline): Uncertain significance. Review status: criteria provided, multiple submitters, no conflicts (2 of 4 stars). 2 submissions from 2 submitters: Uncertain significance (2). Last evaluated 2025-08-23.

Conditions:
Inborn genetic diseases. Identifiers: MedGen C0950123, MeSH D030342.
Hepatic veno-occlusive disease-immunodeficiency syndrome. Also called: Hepatic Veno-Occlusive Disease with Immunodeficiency. Identifiers: Orphanet 79124, MedGen C1856128, MONDO:0009338, OMIM 235550. Disease mechanism: loss of function.

Allele frequency attached by ClinVar (database versions not stated): gnomAD exomes below 0.00001; gnomAD 0.00002; TOPMed 0.00002.
gnomAD v4.1: 5 of 1,613,872 alleles (0.00031%); highest among the groups gnomAD compares: African/African-American, 0.0053%; no homozygotes.

Submissions (2):

Ambry Genetics
Classification: Uncertain significance for Inborn genetic diseases. Last evaluated: 2025-08-23. Review status: criteria provided, single submitter. Criteria: Ambry Variant Classification Scheme 2023. Collection method: clinical testing. Allele origin: germline.

Labcorp Genetics (formerly Invitae), Labcorp
Classification: Uncertain significance for Hepatic veno-occlusive disease-immunodeficiency syndrome. Last evaluated: 2022-01-04. Review status: criteria provided, single submitter. Criteria: Invitae Variant Classification Sherloc (09022015). Collection method: clinical testing. Allele origin: germline.
Comment: In summary, the available evidence is currently insufficient to determine the role of this variant in disease. Therefore, it has been classified as a Variant of Uncertain Significance. Algorithms developed to predict the effect of missense changes on protein structure and function output the following: SIFT: "Deleterious"; PolyPhen-2: "Benign"; Align-GVGD: "Class C0". The glutamic acid amino acid residue is found in multiple mammalian species, which suggests that this missense change does not adversely affect protein function. This variant has not been reported in the literature in individuals affected with SP110-related conditions. This variant is present in population databases (no rsID available, gnomAD 0.007%). This sequence change replaces aspartic acid, which is acidic and polar, with glutamic acid, which is acidic and polar, at codon 393 of the SP110 protein (p.Asp393Glu).

NM_080424.4(SP110):c.1179T>G (p.Asp393Glu)

Gene: SP110 (SP110 nuclear body protein; minus strand). Cytogenetic location: 2q37.1.
Variant type: single nucleotide variant.
Coding change: c.1179T>G on transcript NM_080424.4 (MANE Select); coding-DNA position 1179, T replaced by G.
Protein change: p.Asp393Glu; replaces aspartic acid 393 with glutamic acid.
Molecular consequence: missense variant.
Genome position (GRCh38, 1-based): chr2:230,186,094, A>C on the plus strand (T>G on the coding strand, the complement: SP110 is on the minus strand). VCF-style: chr2-230186094-A-C. GRCh37 (hg19) VCF-style: chr2-231050810-A-C.
Other names: c.1197T>G, p.Asp399Glu (NM_001185015.2, NM_001378442.1, NM_001378444.1 and 2 more transcripts); c.1029T>G, p.Asp343Glu (NM_001378447.1); c.1179T>G, p.Asp393Glu (NM_004509.5, NM_004510.4, NM_001378443.1); short protein forms D399E, D343E, D393E.
Identifiers: ClinVar variation 1935567 (VCV001935567.5), dbSNP rs975155633, ClinGen allele CA66741659.